The following is an entry in ClinVar:

ClinVar aggregate classification (germline): Pathogenic. Review status: criteria provided, multiple submitters, no conflicts (2 of 4 stars). 2 submissions from 2 submitters: Pathogenic (2). Last evaluated 2024-02-08.

Conditions:
Werner syndrome (WRN). Identifiers: Orphanet 902, MedGen C0043119, MONDO:0010196, OMIM 277700.

Submissions (2):

Baylor Genetics
Classification: Pathogenic for Werner syndrome. Last evaluated: 2024-02-08. Review status: criteria provided, single submitter. Criteria: ACMG Guidelines, 2015. Collection method: clinical testing. Allele origin: unknown.

Labcorp Genetics (formerly Invitae), Labcorp
Classification: Pathogenic for Werner syndrome. Last evaluated: 2022-03-08. Review status: criteria provided, single submitter. Criteria: Invitae Variant Classification Sherloc (09022015). Collection method: clinical testing. Allele origin: germline.
Comment: This sequence change creates a premature translational stop signal (p.Glu290Ilefs*12) in the WRN gene. It is expected to result in an absent or disrupted protein product. Loss-of-function variants in WRN are known to be pathogenic (PMID: 16673358). This variant is present in population databases (rs752312589, gnomAD 0.0009%). This premature translational stop signal has been observed in individual(s) with Werner syndrome (PMID: 16673358). For these reasons, this variant has been classified as Pathogenic.

Literature cited by the submitters: PubMed 16673358 (cited by Labcorp Genetics (formerly Invitae), Labcorp).

NM_000553.6(WRN):c.867_874del (p.Glu290fs)

Gene: WRN (WRN RecQ like helicase; plus strand). Cytogenetic location: 8p12.
Variant type: Deletion.
Coding change: c.867_874del on transcript NM_000553.6 (MANE Select); coding-DNA positions 867 to 874, 8 bases deleted (AGAAAATC; older notation c.867_874delAGAAAATC).
Protein change: p.Glu290fs; shifts the reading frame from glutamic acid 290.
Molecular consequence: frameshift variant.
Genome position (GRCh38, 1-based): chr8:31,080,894-31,080,901, AGAAAATC deleted; deleting any 8 consecutive bases within chr8:31,080,892-31,080,901 gives the same sequence; the c. name uses the placement nearest the transcript's 3' end. VCF-style (leftmost placement, unchanged base first): chr8-31080891-TTCAGAAAA-T. GRCh37 (hg19) VCF-style: chr8-30938407-TTCAGAAAA-T.
Other names: short protein forms E290fs.
Identifiers: ClinVar variation 1451410 (VCV001451410.7), dbSNP rs752312589, ClinGen allele CA4704215.